The following is an entry in ClinVar:

ClinVar aggregate classification (germline): Uncertain significance (1 of 4 stars; one submission).

Submission:

GeneDx
Classification: Uncertain significance. Last evaluated: 2025-05-07. Review status: criteria provided, single submitter. Criteria: GeneDx Variant Classification Process June 2021. Collection method: clinical testing. Allele origin: germline. Affected: yes.
Comment: Not observed at significant frequency in large population cohorts (gnomAD); In silico analysis suggests that this missense variant does not alter protein structure/function; Has not been previously published as pathogenic or benign to our knowledge

NM_001134407.3(GRIN2A):c.29T>C (p.Leu10Pro)

Gene: GRIN2A (glutamate ionotropic receptor NMDA type subunit 2A; minus strand). Cytogenetic location: 16p13.2.
Variant type: single nucleotide variant.
Coding change: c.29T>C on transcript NM_001134407.3 (MANE Select); coding-DNA position 29, T replaced by C.
Protein change: p.Leu10Pro; replaces leucine 10 with proline.
Molecular consequence: missense variant.
Genome position (GRCh38, 1-based): chr16:10,180,383, A>G on the plus strand (T>C on the coding strand, the complement: GRIN2A is on the minus strand). VCF-style: chr16-10180383-A-G. GRCh37 (hg19) VCF-style: chr16-10274240-A-G.
Other names: c.29T>C, p.Leu10Pro (NM_000833.5, NM_001134408.2); short protein forms L10P.
Identifiers: ClinVar variation 4528129 (VCV004528129.1).